The following is an entry in ClinVar:

NM_024312.5(GNPTAB):c.3693+9del

Gene: GNPTAB (N-acetylglucosamine-1-phosphate transferase subunits alpha and beta; minus strand). Cytogenetic location: 12q23.2.
Variant type: Deletion.
Coding change: c.3693+9del on transcript NM_024312.5 (MANE Select); 9 bases into the intron after coding-DNA position 3693, one base deleted (T; older notation c.3693+9delT).
Molecular consequence: intron variant.
Genome position (GRCh38, 1-based): chr12:101,749,092, A deleted on the plus strand (T on the coding strand, the reverse complement: GNPTAB is on the minus strand); the first of 4 consecutive A bases (chr12:101,749,092-101,749,095); deleting any one gives the same sequence. VCF-style (leftmost placement, unchanged base first): chr12-101749091-TA-T. GRCh37 (hg19) VCF-style: chr12-102142869-TA-T.
Other names: p.?; c.3693+9del (NM_024312.4).
Identifiers: ClinVar variation 749475 (VCV000749475.14), dbSNP rs750658234, ClinGen allele CA6746082.

ClinVar aggregate classification (germline): Likely benign. Review status: criteria provided, multiple submitters, no conflicts (2 of 4 stars). 4 submissions from 4 submitters: Likely benign (3). 1 of the submissions does not count toward it. Last evaluated 2026-01-20.

Conditions:
Mucolipidosis type II. Also called: Mucolipidosis 2; ML 2; Inclusion cell disease; Leroy Disease; N-acetylglucosamine 1phosphotransferase deficiency; ML disorder type 2. Identifiers: Orphanet 576, MedGen C2673377, MONDO:0009650, OMIM 252500.
Pseudo-Hurler polydystrophy. Also called: Type III Mucolipidosis; ML IIIA; MUCOLIPIDOSIS IIIA; ML III; ML III ALPHA/BETA; Mucolipidosis III Alpha/Beta. Identifiers: Orphanet 423461, Orphanet 577, MedGen C0033788, MONDO:0018931, OMIM 252600.
GNPTAB-Related Disorders. Also called: GNPTAB-related condition; GNPTAB-related disorder. Identifiers: MedGen CN381523.

Submissions (4):

Labcorp Genetics (formerly Invitae), Labcorp
Classification: Likely benign for Pseudo-Hurler polydystrophy; Mucolipidosis type II. Last evaluated: 2026-01-20. Review status: criteria provided, single submitter. Criteria: Invitae Variant Classification Sherloc (09022015). Collection method: clinical testing. Allele origin: germline.

Mayo Clinic Laboratories, Mayo Clinic
Classification: Likely benign. Last evaluated: 2025-09-09. Review status: criteria provided, single submitter. Criteria: ACMG Guidelines, 2015. Collection method: clinical testing. Allele origin: germline. Observed: 1 variant allele.
Comment: BP4, BP7, PM2_supporting

Blueprint Genetics
Classification: Likely benign. Last evaluated: 2024-09-09. Review status: criteria provided, single submitter. Criteria: ACMG Guidelines, 2015. Collection method: clinical testing. Allele origin: germline.

PreventionGenetics, part of Exact Sciences
Classification: Likely benign for GNPTAB-related condition. Last evaluated: 2019-08-07. Review status: no assertion criteria provided. Collection method: clinical testing. Allele origin: germline. Not counted in ClinVar's aggregate classification.
Comment: This variant is classified as likely benign based on ACMG/AMP sequence variant interpretation guidelines (Richards et al. 2015 PMID: 25741868, with internal and published modifications).